The following is an entry in ClinVar:

ClinVar aggregate classification (germline): Likely pathogenic (1 of 4 stars; one submission).

Conditions:
Intellectual developmental disorder, X-linked 63. Also called: MENTAL RETARDATION, X-LINKED 68; Intellectual disability, X-linked 63. Identifiers: Orphanet 777, MedGen C1845672, MONDO:0010313, OMIM 300387.

Submission:

MGZ Medical Genetics Center
Classification: Likely pathogenic for Intellectual developmental disorder, X-linked 63. Last evaluated: 2021-07-26. Review status: criteria provided, single submitter. Criteria: ACMG Guidelines, 2015. Collection method: clinical testing. Allele origin: germline. Affected: yes. Observed: 1 variant allele.
Comment: ACMG criteria applied: PVS1, PM2_SUP

NM_001318510.2(ACSL4):c.1072_1073del (p.Leu358fs)

Gene: ACSL4 (acyl-CoA synthetase long chain family member 4; minus strand). Cytogenetic location: Xq23.
Variant type: Microsatellite.
Coding change: c.1072_1073del on transcript NM_001318510.2 (MANE Select); coding-DNA positions 1072 to 1073, 2 bases deleted (CT; older notation c.1072_1073delCT).
Protein change: p.Leu358fs; shifts the reading frame from leucine 358.
Molecular consequence: frameshift variant.
Genome position (GRCh38, 1-based): chrX:109,669,103-109,669,104, AG deleted on the plus strand (CT on the coding strand, the reverse complement: ACSL4 is on the minus strand); deleting any 2 consecutive bases within chrX:109,669,103-109,669,106 gives the same sequence; the c. name uses the placement nearest the transcript's 3' end. VCF-style (leftmost placement, unchanged base first): chrX-109669102-CAG-C. GRCh37 (hg19) VCF-style: chrX-108912331-CAG-C.
Other names: c.1195_1196del, p.Leu399fs (NM_001318509.2, NM_022977.3); c.1072_1073del, p.Leu358fs (NM_004458.3); short protein forms L358fs, L399fs.
Identifiers: ClinVar variation 1709879 (VCV001709879.2), dbSNP rs2521078665, ClinGen allele CA2580612294.
Genomic context (GRCh38, chrX:109,669,102, plus strand): 5'-AAGAGGTGCATCATATCCCTTTTTGATCTGTTCCAATTTGTAATCATACCCTATCTTGAA[CAG>C]AGTTTTCTGAATATAATTCATCTCTTGGACTTTGCTCATAACATTCTTATAAATTCTATC-3'